The following is an entry in ClinVar:

ClinVar aggregate classification (germline): Pathogenic. Review status: criteria provided, multiple submitters, no conflicts (2 of 4 stars). 2 submissions from 2 submitters: Pathogenic (2). Last evaluated 2025-11-10.

Conditions:
Hereditary cancer-predisposing syndrome. Also called: Hereditary Cancer Syndrome; Hereditary neoplastic syndrome; Neoplastic Syndromes, Hereditary; Tumor predisposition. Identifiers: Orphanet 140162, MedGen C0027672, MeSH D009386, MONDO:0015356.
Cardiovascular phenotype. Identifiers: MedGen CN230736.
Neurofibromatosis, type 1 (NF1). Also called: Neurofibromatosis, type I; VON RECKLINGHAUSEN DISEASE; NEUROFIBROMATOSIS, TYPE I, SOMATIC; Peripheral type neurofibromatosis. Identifiers: Orphanet 636, MedGen C0027831, MONDO:0018975, OMIM 162200. Disease mechanism: loss of function.

Submissions (2):

Ambry Genetics
Classification: Pathogenic for Cardiovascular phenotype; Hereditary cancer-predisposing syndrome. Last evaluated: 2025-11-10. Review status: criteria provided, single submitter. Criteria: Ambry Variant Classification Scheme 2023. Collection method: clinical testing. Allele origin: germline.
Comment: The c.2115delT pathogenic mutation, located in coding exon 18 of the NF1 gene, results from a deletion of one nucleotide at nucleotide position 2115, causing a translational frameshift with a predicted alternate stop codon (p.A706Pfs*42). This variant is considered to be rare based on population cohorts in the Genome Aggregation Database (gnomAD). This alteration is expected to result in loss of function by premature protein truncation or nonsense-mediated mRNA decay. As such, this alteration is interpreted as a disease-causing mutation.

Labcorp Genetics (formerly Invitae), Labcorp
Classification: Pathogenic for Neurofibromatosis, type 1. Last evaluated: 2023-03-12. Review status: criteria provided, single submitter. Criteria: Invitae Variant Classification Sherloc (09022015). Collection method: clinical testing. Allele origin: germline.
Comment: This variant has not been reported in the literature in individuals affected with NF1-related conditions. This variant is not present in population databases (gnomAD no frequency). For these reasons, this variant has been classified as Pathogenic. This sequence change creates a premature translational stop signal (p.Ala706Profs*42) in the NF1 gene. It is expected to result in an absent or disrupted protein product. Loss-of-function variants in NF1 are known to be pathogenic (PMID: 10712197, 23913538).

Literature cited by the submitters: PubMed 10712197 (cited by Labcorp Genetics (formerly Invitae), Labcorp); PubMed 23913538 (cited by Labcorp Genetics (formerly Invitae), Labcorp).

NM_001042492.3(NF1):c.2115del (p.Ala706fs)

Gene: NF1 (neurofibromin 1; plus strand). Cytogenetic location: 17q11.2.
Variant type: Deletion.
Coding change: c.2115del on transcript NM_001042492.3 (MANE Select); coding-DNA position 2115, one base deleted (T; older notation c.2115delT).
Protein change: p.Ala706fs; shifts the reading frame from alanine 706.
Molecular consequence: frameshift variant.
Genome position (GRCh38, 1-based): chr17:31,226,548, T deleted; the last of 2 consecutive T bases (chr17:31,226,547-31,226,548); deleting either gives the same sequence. VCF-style (leftmost placement, unchanged base first): chr17-31226546-GT-G. GRCh37 (hg19) VCF-style: chr17-29553564-GT-G.
Other names: c.2115delT, p.Ala706Profs (NM_000267.4); c.2115delT (NM_000267.3); short protein forms A706fs.
Identifiers: ClinVar variation 2844672 (VCV002844672.4), dbSNP rs2508156379, ClinGen allele CA2739267508.